The following is an entry in ClinVar:

ClinVar aggregate classification (germline): Uncertain significance (1 of 4 stars; one submission).

Conditions:
Idiopathic generalized epilepsy. Also called: Generalised epilepsy; EIG. Identifiers: MedGen C0270850, MONDO:0005579, OMIM 600669.

Allele frequency attached by ClinVar (database versions not stated): ExAC 0.00001; gnomAD 0.00001.
gnomAD v4.1: 27 of 1,613,766 alleles (0.0017%); highest among the groups gnomAD compares: East Asian, 0.0022%; no homozygotes.

Submission:

Labcorp Genetics (formerly Invitae), Labcorp
Classification: Uncertain significance for Idiopathic generalized epilepsy. Last evaluated: 2023-05-16. Review status: criteria provided, single submitter. Criteria: Invitae Variant Classification Sherloc (09022015). Collection method: clinical testing. Allele origin: germline.
Comment: In summary, the available evidence is currently insufficient to determine the role of this variant in disease. Therefore, it has been classified as a Variant of Uncertain Significance. Advanced modeling of protein sequence and biophysical properties (such as structural, functional, and spatial information, amino acid conservation, physicochemical variation, residue mobility, and thermodynamic stability) performed at Invitae indicates that this missense variant is not expected to disrupt RBFOX1 protein function. This variant has not been reported in the literature in individuals affected with RBFOX1-related conditions. This variant is present in population databases (rs754708372, gnomAD 0.004%). This sequence change replaces alanine, which is neutral and non-polar, with threonine, which is neutral and polar, at codon 89 of the RBFOX1 protein (p.Ala89Thr).

NM_018723.4(RBFOX1):c.205G>A (p.Ala69Thr)

Gene: RBFOX1 (RNA binding fox-1 homolog 1; plus strand). Cytogenetic location: 16p13.3.
Variant type: single nucleotide variant.
Coding change: c.205G>A on transcript NM_018723.4 (MANE Select); coding-DNA position 205, G replaced by A.
Protein change: p.Ala69Thr; replaces alanine 69 with threonine.
Molecular consequence: missense variant.
Genome position (GRCh38, 1-based): chr16:7,518,324, G>A. VCF-style: chr16-7518324-G-A. GRCh37 (hg19) VCF-style: chr16-7568326-G-A.
Other names: c.802G>A, p.Ala268Thr (NM_001415887.1, NM_001415888.1); c.313G>A, p.Ala105Thr (NM_001415889.1, NM_001415892.1, NM_001415894.1 and 5 more transcripts); c.280G>A, p.Ala94Thr (NM_001415890.1, NM_001415893.1, NM_001415899.1 and 4 more transcripts); c.334G>A, p.Ala112Thr (NM_001415891.1, NM_001415895.1, NM_001308117.1 and 5 more transcripts); c.265G>A, p.Ala89Thr (NM_001415896.1, NM_001415904.1, NM_001415906.1 and 4 more transcripts); c.205G>A, p.Ala69Thr (NM_001142333.2, NM_001142334.2, NM_001364800.2 and 1 more transcripts); c.211G>A, p.Ala71Thr (NM_001415902.1, NM_001415911.1, NM_001415917.1); short protein forms A69T, A71T, A94T, A268T, A89T, A112T, A105T.
Identifiers: ClinVar variation 2710209 (VCV002710209.3), dbSNP rs754708372, ClinGen allele CA7891360.